The following is an entry in ClinVar:

ClinVar aggregate classification (germline): Uncertain significance (1 of 4 stars; one submission).

Conditions:
Inborn genetic diseases. Identifiers: MedGen C0950123, MeSH D030342.

gnomAD v4.1: 2 of 1,614,170 alleles (0.00012%); highest among the groups gnomAD compares: Non-Finnish European, 0.00017%; no homozygotes.

Submission:

Ambry Genetics
Classification: Uncertain significance for Inborn genetic diseases. Last evaluated: 2025-02-05. Review status: criteria provided, single submitter. Criteria: Ambry Variant Classification Scheme 2023. Collection method: clinical testing. Allele origin: germline.
Comment: The p.R104H variant (also known as c.311G>A), located in coding exon 3 of the PAX5 gene, results from a G to A substitution at nucleotide position 311. The arginine at codon 104 is replaced by histidine, an amino acid with highly similar properties. This amino acid position is conserved. In addition, this alteration is predicted to be deleterious by in silico analysis. Based on the available evidence, the clinical significance of this variant remains unclear.

NM_016734.3(PAX5):c.311G>A (p.Arg104His)

Gene: PAX5 (paired box 5; minus strand). Cytogenetic location: 9p13.2.
Variant type: single nucleotide variant.
Coding change: c.311G>A on transcript NM_016734.3 (MANE Select); coding-DNA position 311, G replaced by A.
Protein change: p.Arg104His; replaces arginine 104 with histidine.
Molecular consequence: missense variant. On other transcripts: 5 prime UTR variant (2), non-coding transcript variant (2), intron variant (1).
Genome position (GRCh38, 1-based): chr9:37,015,096, C>T on the plus strand (G>A on the coding strand, the complement: PAX5 is on the minus strand). VCF-style: chr9-37015096-C-T. GRCh37 (hg19) VCF-style: chr9-37015093-C-T.
Other names: c.311G>A, p.Arg104His (NM_001280547.2, NM_001280548.2, NM_001280549.2 and 4 more transcripts); c.-14G>A (NM_001280551.2, NM_001280556.2); c.212+5540G>A (NM_001280555.2); short protein forms R104H.
Identifiers: ClinVar variation 3885944 (VCV003885944.1).